The following is an entry in ClinVar:

ClinVar aggregate classification (germline): Benign (0 of 4 stars; one submission).

Conditions:
DNAH17-related disorder. Also called: DNAH17-related condition.

Allele frequency attached by ClinVar (database versions not stated): 1000 Genomes Project 30x 0.01718; 1000 Genomes Project 0.01737; ESP Exome Variant Server 0.01950.

Submission:

PreventionGenetics, part of Exact Sciences
Classification: Benign for DNAH17-related condition. Last evaluated: 2020-01-09. Review status: no assertion criteria provided. Collection method: clinical testing. Allele origin: germline.
Comment: This variant is classified as benign based on ACMG/AMP sequence variant interpretation guidelines (Richards et al. 2015 PMID: 25741868, with internal and published modifications).

NM_173628.4(DNAH17):c.2685C>A (p.Ile895=)

Gene: DNAH17 (dynein axonemal heavy chain 17; minus strand). Cytogenetic location: 17q25.3.
Variant type: single nucleotide variant.
Coding change: c.2685C>A on transcript NM_173628.4 (MANE Select); coding-DNA position 2685, C replaced by A.
Protein change: p.Ile895=; no amino-acid change (isoleucine 895 retained).
Molecular consequence: synonymous variant.
Genome position (GRCh38, 1-based): chr17:78,537,473, G>T on the plus strand (C>A on the coding strand, the complement: DNAH17 is on the minus strand). VCF-style: chr17-78537473-G-T. GRCh37 (hg19) VCF-style: chr17-76533555-G-T.
Identifiers: ClinVar variation 3038069 (VCV003038069.2), dbSNP rs141979513, ClinGen allele CA8804524.